The following is an entry in ClinVar:

NM_022114.4(PRDM16):c.2297G>T (p.Gly766Val)

Gene: PRDM16 (PR/SET domain 16; plus strand). Cytogenetic location: 1p36.32.
Variant type: single nucleotide variant.
Coding change: c.2297G>T on transcript NM_022114.4 (MANE Select); coding-DNA position 2297, G replaced by T.
Protein change: p.Gly766Val; replaces glycine 766 with valine.
Molecular consequence: missense variant.
Genome position (GRCh38, 1-based): chr1:3,412,494, G>T. VCF-style: chr1-3412494-G-T. GRCh37 (hg19) VCF-style: chr1-3329058-G-T.
Other names: c.2297G>T, p.Gly766Val (NM_199454.3); short protein forms G766V.
Identifiers: ClinVar variation 2499787 (VCV002499787.3), dbSNP rs778681326, ClinGen allele CA544441.

ClinVar aggregate classification (germline): Conflicting classifications of pathogenicity. Review status: criteria provided, conflicting classifications (1 of 4 stars). 3 submissions from 3 submitters: Uncertain significance (2); Likely benign (1). Last evaluated 2025-08-31.

Conditions:
Left ventricular noncompaction 8 (LVNC8). Identifiers: Orphanet 154, Orphanet 54260, MedGen C3809288, MONDO:0014152, OMIM 615373.

Allele frequency attached by ClinVar (database versions not stated): ExAC 0.00001; gnomAD 0.00001; TOPMed 0.00001.
gnomAD v4.1: 23 of 1,613,162 alleles (0.0014%); highest among the groups gnomAD compares: Non-Finnish European, 0.0019%; no homozygotes.

Submissions (3):

Labcorp Genetics (formerly Invitae), Labcorp
Classification: Uncertain significance for Left ventricular noncompaction 8. Last evaluated: 2025-08-31. Review status: criteria provided, single submitter. Criteria: Invitae Variant Classification Sherloc (09022015). Collection method: clinical testing. Allele origin: germline.
Comment: This sequence change replaces glycine, which is neutral and non-polar, with valine, which is neutral and non-polar, at codon 766 of the PRDM16 protein (p.Gly766Val). This variant is present in population databases (rs778681326, gnomAD 0.002%). This variant has not been reported in the literature in individuals affected with PRDM16-related conditions. ClinVar contains an entry for this variant (Variation ID: 2499787). An algorithm developed to predict the effect of missense changes on protein structure and function (PolyPhen-2) suggests that this variant is likely to be tolerated. In summary, the available evidence is currently insufficient to determine the role of this variant in disease. Therefore, it has been classified as a Variant of Uncertain Significance.

Blueprint Genetics
Classification: Likely benign. Last evaluated: 2024-11-25. Review status: criteria provided, single submitter. Criteria: ACMG Guidelines, 2015. Collection method: clinical testing. Allele origin: germline.

GeneDx
Classification: Uncertain significance. Last evaluated: 2022-10-24. Review status: criteria provided, single submitter. Criteria: GeneDx Variant Classification Process June 2021. Collection method: clinical testing. Allele origin: germline. Affected: yes.
Comment: Not observed at significant frequency in large population cohorts (gnomAD); In silico analysis supports that this missense variant does not alter protein structure/function; Has not been previously published as pathogenic or benign to our knowledge